The following is an entry in ClinVar:

NM_001365951.3(KIF1B):c.4012A>G (p.Ile1338Val)

Gene: KIF1B (kinesin family member 1B; plus strand). Cytogenetic location: 1p36.22.
Variant type: single nucleotide variant.
Coding change: c.4012A>G on transcript NM_001365951.3 (MANE Select); coding-DNA position 4012, A replaced by G.
Protein change: p.Ile1338Val; replaces isoleucine 1338 with valine.
Molecular consequence: missense variant.
Genome position (GRCh38, 1-based): chr1:10,352,693, A>G. VCF-style: chr1-10352693-A-G. GRCh37 (hg19) VCF-style: chr1-10412751-A-G.
Other names: c.4012A>G, p.Ile1338Val (NM_001365952.1); c.3874A>G, p.Ile1292Val (NM_015074.3); short protein forms I1292V, I1338V.
Identifiers: ClinVar variation 3533996 (VCV003533996.1).

ClinVar aggregate classification (germline): Uncertain significance (1 of 4 stars; one submission).

Submission:

Ambry Genetics
Classification: Uncertain significance. Last evaluated: 2024-08-31. Review status: criteria provided, single submitter. Criteria: Ambry Variant Classification Scheme 2023. Collection method: clinical testing. Allele origin: germline.
Comment: The p.I1292V variant (also known as c.3874A>G), located in coding exon 35 of the KIF1B gene, results from an A to G substitution at nucleotide position 3874. The isoleucine at codon 1292 is replaced by valine, an amino acid with highly similar properties. This amino acid position is conserved. In addition, the in silico prediction for this alteration is inconclusive. Based on the available evidence, the clinical significance of this variant remains unclear.